The following is an entry in ClinVar:

NM_000091.5(COL4A3):c.1188G>A (p.Trp396Ter)

Genes: MFF-DT (MFF divergent transcript; minus strand), COL4A3 (collagen type IV alpha 3 chain; plus strand). Cytogenetic location: 2q36.3.
Variant type: single nucleotide variant.
Coding change: c.1188G>A on transcript NM_000091.5 (MANE Select); coding-DNA position 1188, G replaced by A.
Protein change: p.Trp396Ter; replaces tryptophan 396 with a stop codon.
Molecular consequence: nonsense.
Genome position (GRCh38, 1-based): chr2:227,263,817, G>A. VCF-style: chr2-227263817-G-A. GRCh37 (hg19) VCF-style: chr2-228128533-G-A.
Other names: short protein forms W396*.
Identifiers: ClinVar variation 984034 (VCV000984034.3), dbSNP rs1348174898, ClinGen allele CA350868749.

ClinVar aggregate classification (germline): Likely pathogenic (1 of 4 stars; one submission).

Conditions:
Autosomal recessive Alport syndrome (ATS2). Also called: ALPORT SYNDROME 2, AUTOSOMAL RECESSIVE; Alport syndrome type 2; COL4A4 Alport Syndrome and Thin Basement Membrane Nephropathy; COL4A3-Related Nephropathy. Identifiers: Orphanet 63, Orphanet 88919, MedGen C4746745, MONDO:0008762, OMIM 203780.

Submission:

Myriad Genetics, Inc.
Classification: Likely pathogenic for Autosomal recessive Alport syndrome. Last evaluated: 2019-08-17. Review status: criteria provided, single submitter. Criteria: Myriad Women's Health Autosomal Recessive and X-Linked Classification Criteria (2019). Collection method: clinical testing. Allele origin: unknown.
Comment: NM_000091.4(COL4A3):c.1188G>A(W396*) is expected to be pathogenic in the context of COL4A3-related Alport syndrome. This variant is predicted to lead to an abnormal or absent protein product due to the creation of a premature termination codon in COL4A3, a gene where loss-of-function variants are known to be pathogenic. Please note: this variant was assessed in the context of healthy population screening.